The following is an entry in ClinVar:

ClinVar aggregate classification (germline): Likely benign. Review status: criteria provided, multiple submitters, no conflicts (2 of 4 stars). 2 submissions from 2 submitters: Likely benign (2). Last evaluated 2025-07-25.

Conditions:
Autosomal recessive limb-girdle muscular dystrophy type R18 (LGMDR18). Also called: Autosomal recessive limb-girdle muscular dystrophy type 2S; Limb-girdle muscular dystrophy, type 2S; MUSCULAR DYSTROPHY, LIMB-GIRDLE, AUTOSOMAL RECESSIVE 18. Identifiers: Orphanet 369840, MedGen C4517996, MONDO:0014144, OMIM 615356.

Allele frequency attached by ClinVar (database versions not stated): gnomAD exomes below 0.00001.
gnomAD v4.1: 1 of 1,614,158 alleles (0.000062%); highest among the groups gnomAD compares: Non-Finnish European, 0.000085%; no homozygotes.

Submissions (2):

Labcorp Genetics (formerly Invitae), Labcorp
Classification: Likely benign for Autosomal recessive limb-girdle muscular dystrophy type R18. Last evaluated: 2025-07-25. Review status: criteria provided, single submitter. Criteria: Invitae Variant Classification Sherloc (09022015). Collection method: clinical testing. Allele origin: germline.

CeGaT Center for Human Genetics Tuebingen
Classification: Likely benign. Last evaluated: 2022-05-01. Review status: criteria provided, single submitter. Criteria: CeGaT Center For Human Genetics Tuebingen Variant Classification Criteria Version 2. Collection method: clinical testing. Allele origin: germline. Affected: yes. Observed: 1 variant allele.
Comment: TRAPPC11: PM2:Supporting, BP4, BP7

NM_021942.6(TRAPPC11):c.2766C>T (p.Pro922=)

Gene: TRAPPC11 (trafficking protein particle complex subunit 11; plus strand). Cytogenetic location: 4q35.1.
Variant type: single nucleotide variant.
Coding change: c.2766C>T on transcript NM_021942.6 (MANE Select); coding-DNA position 2766, C replaced by T.
Protein change: p.Pro922=; no amino-acid change (proline 922 retained).
Molecular consequence: synonymous variant.
Genome position (GRCh38, 1-based): chr4:183,697,750, C>T. VCF-style: chr4-183697750-C-T. GRCh37 (hg19) VCF-style: chr4-184618903-C-T.
Other names: c.2766C>T, p.Pro922= (NM_199053.3).
Identifiers: ClinVar variation 1695118 (VCV001695118.32), dbSNP rs1736611337, ClinGen allele CA442579932.